The following is an entry in ClinVar:

ClinVar aggregate classification (germline): Pathogenic. Review status: reviewed by expert panel (3 of 4 stars). 4 submissions from 4 submitters: Pathogenic (1). 3 of the submissions do not count toward it. Last evaluated 2025-11-19.

Conditions:
CYP1B1-related glaucoma with or without anterior segment dysgenesis. Identifiers: MedGen CN375931, MONDO:0800472.
Congenital glaucoma. Identifiers: MedGen C0020302, MONDO:0020366.
Anterior segment dysgenesis 6 (ASGD6). Also called: Anterior segment dysgenesis 6, multiple subtypes. Identifiers: MedGen C4310623, MONDO:0015016, OMIM 617315.

Submissions (4):

ClinGen Glaucoma Variant Curation Expert Panel
Classification: Pathogenic for CYP1B1-related glaucoma with or without anterior segment dysgenesis. Last evaluated: 2025-11-19. Review status: reviewed by expert panel. Criteria: ClinGen CYP1B1 ACMG Specifications V1 Approved. Collection method: curation. Allele origin: germline. Inheritance: Autosomal recessive inheritance.
Comment: The c.806_814del variant in CYP1B1 is predicted to cause a change in the length of the protein due to an in-frame deletion of 3 amino acids (p.Ser269_Phe271del), meeting PM4. This in-frame indel variant is located in the G-helix, meeting PM1_Supporting. The highest minor allele frequency of this variant was in the European (non-Finnish) genetic ancestry group of gnomAD (v4.1) = 0.000002544 (3 alleles out of 1,179,058), which met the ≤ 0.0005 threshold set for PM2_Supporting in a genetic ancestry group of at least 2,000 alleles. There was no functional evidence predicting a damaging or benign impact of this variant on CYP1B1 function. 3 affected segregations with a CYP1B1-related phenotype have been reported (PMID: 14729846), which fulfilled PP1_Strong. This variant has been identified in 3 individuals with a CYP1B1-related phenotype. One individual is compound heterozygous for the variant and a pathogenic or likely pathogenic variant (confirmed in trans) and two individuals are homozygous (non-consanguineous) for the variant (PMIDs: 15342693, 14635112, 14729846). Total points = 2, meeting PM3_Strong. There were more homozygous cases published than presented here. In summary, this variant met the criteria to receive a score of 12 and to be classified as pathogenic (pathogenic classification ≥ 10, adapted from PMID: 32720330) for CYP1B1- related glaucoma with or without anterior segment dysgenesis (ASD) based on the ACMG/AMP criteria met, as specified by the ClinGen Glaucoma VCEP (v1.0, 06.11.2025): PM3_Strong, PP1_Strong, PM4, PM1_Supporting, PM2_Supporting.

Labcorp Genetics (formerly Invitae), Labcorp
Classification: Pathogenic for Congenital glaucoma. Last evaluated: 2026-01-24. Review status: criteria provided, single submitter. Criteria: Invitae Variant Classification Sherloc (09022015). Collection method: clinical testing. Allele origin: germline. Not counted in ClinVar's aggregate classification.
Comment: This variant, c.806_814del, results in the deletion of 3 amino acid(s) of the CYP1B1 protein (p.Ser269_Phe271del), but otherwise preserves the integrity of the reading frame. This variant is present in population databases (rs751821598, gnomAD 0.0009%). This variant has been observed in individual(s) with primary congenital glaucoma (PMID: 14635112, 14729846, 34019190). In at least one individual the data is consistent with being in trans (on the opposite chromosome) from a pathogenic variant. It has also been observed to segregate with disease in related individuals. This variant is also known as 4611del9 (SNF268del), p.269S_271Fdel , 268delSNF. For these reasons, this variant has been classified as Pathogenic.

CeGaT Center for Human Genetics Tuebingen
Classification: Likely pathogenic. Last evaluated: 2024-06-01. Review status: criteria provided, single submitter. Criteria: CeGaT Center For Human Genetics Tuebingen Variant Classification Criteria Version 2. Collection method: clinical testing. Allele origin: germline. Affected: yes. Observed: 2 variant alleles. Not counted in ClinVar's aggregate classification.
Comment: CYP1B1: PM2, PM3, PM4, PP1

Baylor Genetics
Classification: Pathogenic for Anterior segment dysgenesis 6. Last evaluated: 2024-02-14. Review status: criteria provided, single submitter. Criteria: ACMG Guidelines, 2015. Collection method: clinical testing. Allele origin: unknown. Not counted in ClinVar's aggregate classification.

Literature cited by the submitters: PubMed 14635112 (cited by Labcorp Genetics (formerly Invitae), Labcorp); PubMed 14729846 (cited by Labcorp Genetics (formerly Invitae), Labcorp); PubMed 34019190 (cited by Labcorp Genetics (formerly Invitae), Labcorp).

NM_000104.4(CYP1B1):c.797GCAACTTCA[1] (p.Ser269_Phe271del)

Gene: CYP1B1 (cytochrome P450 family 1 subfamily B member 1; minus strand). Cytogenetic location: 2p22.2.
Variant type: Microsatellite.
Coding change: c.797GCAACTTCA[1] on transcript NM_000104.4 (MANE Select); one copy of the 9-base unit GCAACTTCA starting at c.797; the reference has two copies in a row; one copy, 9 bases deleted; also written c.806_814del.
Protein change: p.Ser269_Phe271del.
Molecular consequence: inframe deletion.
Genome position (GRCh38, 1-based): chr2:38,074,575-38,074,583, TGAAGTTGC deleted on the plus strand (GCAACTTCA on the coding strand, the reverse complement: CYP1B1 is on the minus strand); deleting any 9 consecutive bases within chr2:38,074,575-38,074,592 gives the same sequence; the position shown is the placement nearest the transcript's 3' end. VCF-style (leftmost placement, unchanged base first): chr2-38074574-ATGAAGTTGC-A. GRCh37 (hg19) VCF-style: chr2-38301717-ATGAAGTTGC-A.
Other names: c.806_814del (NM_000104.4).
Identifiers: ClinVar variation 1335387 (VCV001335387.37), dbSNP rs72466462, ClinGen allele CA1619962.